The following is an entry in ClinVar:

NM_005263.5(GFI1):c.245G>A (p.Arg82Gln)

Gene: GFI1 (growth factor independent 1 transcriptional repressor; minus strand). Cytogenetic location: 1p22.1.
Variant type: single nucleotide variant.
Coding change: c.245G>A on transcript NM_005263.5 (MANE Select); coding-DNA position 245, G replaced by A.
Protein change: p.Arg82Gln; replaces arginine 82 with glutamine.
Molecular consequence: missense variant.
Genome position (GRCh38, 1-based): chr1:92,482,917, C>T on the plus strand (G>A on the coding strand, the complement: GFI1 is on the minus strand). VCF-style: chr1-92482917-C-T. GRCh37 (hg19) VCF-style: chr1-92948474-C-T.
Other names: c.245G>A, p.Arg82Gln (NM_001127215.3, NM_001127216.3); short protein forms R82Q.
Identifiers: ClinVar variation 4827130 (VCV004827130.1).

ClinVar aggregate classification (germline): Uncertain significance (1 of 4 stars; one submission).

Submission:

Ambry Genetics
Classification: Uncertain significance. Last evaluated: 2026-03-02. Review status: criteria provided, single submitter. Criteria: Ambry Variant Classification Scheme 2023. Collection method: clinical testing. Allele origin: germline.
Comment: The p.R82Q variant (also known as c.245G>A), located in coding exon 2 of the GFI1 gene, results from a G to A substitution at nucleotide position 245. The arginine at codon 82 is replaced by glutamine, an amino acid with highly similar properties. This amino acid position is conserved. In addition, this alteration is predicted to be tolerated by in silico analysis. Based on the available evidence, the clinical significance of this variant remains unclear.